The following is an entry in ClinVar:

ClinVar aggregate classification (germline): Uncertain significance. Review status: criteria provided, multiple submitters, no conflicts (2 of 4 stars). 4 submissions from 4 submitters: Uncertain significance (4). Last evaluated 2024-06-10.

Conditions:
Primary ciliary dyskinesia 3. Identifiers: Orphanet 244, MedGen C1837618, MONDO:0012085, OMIM 608644.
Primary ciliary dyskinesia. Also called: Ciliary dyskinesia. Identifiers: Orphanet 244, MedGen C0008780, MONDO:0016575, HP:0012265.

Allele frequency attached by ClinVar (database versions not stated): TOPMed below 0.00001; gnomAD exomes 0.00001.

Submissions (4):

Ambry Genetics
Classification: Uncertain significance for Primary ciliary dyskinesia. Last evaluated: 2024-06-10. Review status: criteria provided, single submitter. Criteria: Ambry Variant Classification Scheme 2023. Collection method: clinical testing. Allele origin: germline.

Genomic Medicine Center of Excellence, King Faisal Specialist Hospital and Research Centre
Classification: Uncertain significance for Primary ciliary dyskinesia 3. Last evaluated: 2024-04-04. Review status: criteria provided, single submitter. Criteria: ACMG Guidelines, 2015. Collection method: clinical testing. Allele origin: germline.

CeGaT Center for Human Genetics Tuebingen
Classification: Uncertain significance. Last evaluated: 2023-06-01. Review status: criteria provided, single submitter. Criteria: CeGaT Center For Human Genetics Tuebingen Variant Classification Criteria Version 2. Collection method: clinical testing. Allele origin: germline. Affected: yes. Observed: 1 variant allele.
Comment: DNAH5: PM2

Revvity Omics, Revvity
Classification: Uncertain significance for Primary ciliary dyskinesia 3. Last evaluated: 2022-07-13. Review status: criteria provided, single submitter. Criteria: ACMG Guidelines, 2015. Collection method: clinical testing. Allele origin: germline.

NM_001369.3(DNAH5):c.8906C>G (p.Ala2969Gly)

Gene: DNAH5 (dynein axonemal heavy chain 5; minus strand). Cytogenetic location: 5p15.2.
Variant type: single nucleotide variant.
Coding change: c.8906C>G on transcript NM_001369.3 (MANE Select); coding-DNA position 8906, C replaced by G.
Protein change: p.Ala2969Gly; replaces alanine 2969 with glycine.
Molecular consequence: missense variant.
Genome position (GRCh38, 1-based): chr5:13,780,874, G>C on the plus strand (C>G on the coding strand, the complement: DNAH5 is on the minus strand). VCF-style: chr5-13780874-G-C. GRCh37 (hg19) VCF-style: chr5-13780983-G-C.
Other names: short protein forms A2969G.
Identifiers: ClinVar variation 2440914 (VCV002440914.31), dbSNP rs1755004469, ClinGen allele CA359212716.